The following is an entry in ClinVar:

NM_000044.6(AR):c.2696T>A (p.Ile899Asn)

Gene: AR (androgen receptor; plus strand). Cytogenetic location: Xq12.
Variant type: single nucleotide variant.
Coding change: c.2696T>A on transcript NM_000044.6 (MANE Select); coding-DNA position 2696, T replaced by A.
Protein change: p.Ile899Asn; replaces isoleucine 899 with asparagine.
Molecular consequence: missense variant.
Genome position (GRCh38, 1-based): chrX:67,723,774, T>A. VCF-style: chrX-67723774-T-A. GRCh37 (hg19) VCF-style: chrX-66943616-T-A.
Other names: c.1100T>A, p.Ile367Asn (NM_001011645.3); short protein forms I367N, I899N.
Identifiers: ClinVar variation 3756540 (VCV003756540.2).
Genomic context (GRCh38, chrX:67,723,774, plus strand): 5'-TTGACCTGCTAATCAAGTCACACATGGTGAGCGTGGACTTTCCGGAAATGATGGCAGAGA[T>A]CATCTCTGTGCAAGTGCCCAAGATCCTTTCTGGGAAAGTCAAGCCCATCTATTTCCACAC-3'
Protein context (NP_000035.2, residues 889-909): SVDFPEMMAE[Ile899Asn]ISVQVPKILS

ClinVar aggregate classification (germline): Uncertain significance (1 of 4 stars; one submission).

Conditions:
Kennedy disease (SMAX1). Also called: SPINAL AND BULBAR MUSCULAR ATROPHY, X-LINKED 1; KENNEDY SPINAL AND BULBAR MUSCULAR ATROPHY; Spinal and Bulbar Muscular Atrophy. Identifiers: Orphanet 481, MedGen C1839259, MONDO:0010735, OMIM 313200.
Androgen resistance syndrome (AIS). Also called: ANDROGEN RECEPTOR DEFICIENCY; DIHYDROTESTOSTERONE RECEPTOR DEFICIENCY; TESTICULAR FEMINIZATION SYNDROME; Androgen insensitivity syndrome; Androgen insensitivity; DHTR DEFICIENCY. Identifiers: Orphanet 754, Orphanet 99429, MedGen C0039585, MONDO:0019154, OMIM 300068. Disease mechanism: loss of function.

Submission:

Labcorp Genetics (formerly Invitae), Labcorp
Classification: Uncertain significance for Kennedy disease; Androgen resistance syndrome. Last evaluated: 2024-05-25. Review status: criteria provided, single submitter. Criteria: Invitae Variant Classification Sherloc (09022015). Collection method: clinical testing. Allele origin: germline.
Comment: This sequence change replaces isoleucine, which is neutral and non-polar, with asparagine, which is neutral and polar, at codon 899 of the AR protein (p.Ile899Asn). This variant is not present in population databases (gnomAD no frequency). This variant has not been reported in the literature in individuals affected with AR-related conditions. Advanced modeling of protein sequence and biophysical properties (such as structural, functional, and spatial information, amino acid conservation, physicochemical variation, residue mobility, and thermodynamic stability) has been performed at Invitae for this missense variant, however the output from this modeling did not meet the statistical confidence thresholds required to predict the impact of this variant on AR protein function. This variant disrupts the p.Ile899 amino acid residue in AR. Other variant(s) that disrupt this residue have been determined to be pathogenic (PMID: 12843171, 29237170). This suggests that this residue is clinically significant, and that variants that disrupt this residue are likely to be disease-causing. In summary, the available evidence is currently insufficient to determine the role of this variant in disease. Therefore, it has been classified as a Variant of Uncertain Significance.

Literature cited by the submitters: PubMed 12843171; PubMed 29237170.